The following is an entry in ClinVar:

NM_001193315.2(VIPAS39):c.991A>G (p.Met331Val)

Gene: VIPAS39 (VPS33B interacting protein, apical-basolateral polarity regulator, spe-39 homolog; minus strand). Cytogenetic location: 14q24.3.
Variant type: single nucleotide variant.
Coding change: c.991A>G on transcript NM_001193315.2 (MANE Select); coding-DNA position 991, A replaced by G.
Protein change: p.Met331Val; replaces methionine 331 with valine.
Molecular consequence: missense variant. On other transcripts: non-coding transcript variant (1), intron variant (2).
Genome position (GRCh38, 1-based): chr14:77,435,315, T>C on the plus strand (A>G on the coding strand, the complement: VIPAS39 is on the minus strand). VCF-style: chr14-77435315-T-C. GRCh37 (hg19) VCF-style: chr14-77901658-T-C.
Other names: p.Met331Val; c.991A>G, p.Met331Val (NM_001193314.2, NM_001193317.2, NM_001400326.1 and 5 more transcripts); c.844A>G, p.Met282Val (NM_001193316.2, NM_001400324.1, NM_001400325.1); c.958A>G, p.Met320Val (NM_001400327.1); c.898A>G, p.Met300Val (NM_001400333.1, NM_001400334.1); c.751A>G, p.Met251Val (NM_001400337.1); c.889A>G, p.Met297Val (NM_001400338.1); c.763-1012A>G (NM_001400339.1); and 1 more; short protein forms M251V, M300V, M320V, M282V, M297V, M331V.
Identifiers: ClinVar variation 4541891 (VCV004541891.1).

ClinVar aggregate classification (germline): Uncertain significance (1 of 4 stars; one submission).

gnomAD v4.1: 19 of 1,613,580 alleles (0.0012%); highest among the groups gnomAD compares: Non-Finnish European, 0.0016%; no homozygotes.

Submission:

Mayo Clinic Laboratories, Mayo Clinic
Classification: Uncertain significance. Last evaluated: 2024-12-31. Review status: criteria provided, single submitter. Criteria: ACMG Guidelines, 2015. Collection method: clinical testing. Allele origin: germline. Observed: 1 variant allele.
Comment: BP4, PM2_supporting